The following is an entry in ClinVar:

NC_000005.9:g.(?_90144434)_(90159694_?)dup

Gene: ADGRV1 (adhesion G protein-coupled receptor V1; plus strand). Cytogenetic location: 5q14.3.
Variant type: Duplication.
Identifiers: ClinVar variation 1066778 (VCV001066778.6).

ClinVar aggregate classification (germline): Pathogenic (1 of 4 stars; one submission).

Submission:

Labcorp Genetics (formerly Invitae), Labcorp
Classification: Pathogenic. Last evaluated: 2023-11-25. Review status: criteria provided, single submitter. Criteria: Invitae Variant Classification Sherloc (09022015). Collection method: clinical testing. Allele origin: germline.
Comment: This variant results in a copy number gain of the genomic region encompassing exon(s) 79-83 of the ADGRV1 gene. While the exact position of this variant cannot be determined from the data, sub-genic copy number gains are generally in tandem (PMID: 25640679). This variant is predicted to be in-frame, and likely preserves the integrity of the reading frame. A similar copy number variant has been observed in individuals with Usher syndrome (PMID: 22147658, 25404053; Invitae). This variant is also known as GPR98 c.17020-?_17856+?dup. For these reasons, this variant has been classified as Pathogenic.

Literature cited by the submitters: PubMed 25640679; PubMed 22147658; PubMed 25404053.